The following is an entry in ClinVar:

ClinVar aggregate classification (germline): Uncertain significance (1 of 4 stars; one submission).

Conditions:
SLC35A2-congenital disorder of glycosylation. Also called: CONGENITAL DISORDER OF GLYCOSYLATION, TYPE IIm; CDG IIm; CONGENITAL DISORDER OF GLYCOSYLATION, TYPE IIm, SOMATIC MOSAIC; EPILEPTIC ENCEPHALOPATHY, EARLY INFANTILE, 22; DEVELOPMENTAL AND EPILEPTIC ENCEPHALOPATHY 22; SLC35A2-CDG. Identifiers: Orphanet 356961, MedGen C3806688, MONDO:0010478, OMIM 300896.

Allele frequency attached by ClinVar (database versions not stated): gnomAD exomes below 0.00001.
gnomAD v4.1: 2 of 1,183,296 alleles (0.00017%); highest among the groups gnomAD compares: Non-Finnish European, 0.00023%; no homozygotes.

Submission:

Labcorp Genetics (formerly Invitae), Labcorp
Classification: Uncertain significance for SLC35A2-congenital disorder of glycosylation. Last evaluated: 2023-11-24. Review status: criteria provided, single submitter. Criteria: Invitae Variant Classification Sherloc (09022015). Collection method: clinical testing. Allele origin: germline.
Comment: This sequence change replaces arginine, which is basic and polar, with cysteine, which is neutral and slightly polar, at codon 162 of the SLC35A2 protein (p.Arg162Cys). This variant is not present in population databases (gnomAD no frequency). This variant has not been reported in the literature in individuals affected with SLC35A2-related conditions. Advanced modeling of protein sequence and biophysical properties (such as structural, functional, and spatial information, amino acid conservation, physicochemical variation, residue mobility, and thermodynamic stability) has been performed at Invitae for this missense variant, however the output from this modeling did not meet the statistical confidence thresholds required to predict the impact of this variant on SLC35A2 protein function. In summary, the available evidence is currently insufficient to determine the role of this variant in disease. Therefore, it has been classified as a Variant of Uncertain Significance.

NM_005660.3(SLC35A2):c.484C>T (p.Arg162Cys)

Gene: SLC35A2 (solute carrier family 35 member A2; minus strand). Cytogenetic location: Xp11.23.
Variant type: single nucleotide variant.
Coding change: c.484C>T on transcript NM_005660.3 (MANE Select); coding-DNA position 484, C replaced by T.
Protein change: p.Arg162Cys; replaces arginine 162 with cysteine.
Molecular consequence: missense variant. On other transcripts: intron variant (3).
Genome position (GRCh38, 1-based): chrX:48,905,425, G>A on the plus strand (C>T on the coding strand, the complement: SLC35A2 is on the minus strand). VCF-style: chrX-48905425-G-A. GRCh37 (hg19) VCF-style: chrX-48762702-G-A.
Other names: c.484C>T, p.Arg162Cys (NM_001042498.3); c.301C>T, p.Arg101Cys (NM_001282649.2); c.523C>T, p.Arg175Cys (NM_001282650.2); c.568C>T, p.Arg190Cys (NM_001282651.2); c.427-533C>T (NM_001282647.2, NM_001032289.3); c.355-533C>T (NM_001282648.2); short protein forms R101C, R162C, R175C, R190C.
Identifiers: ClinVar variation 2887364 (VCV002887364.3), dbSNP rs2147487684, ClinGen allele CA412895865.